The following is an entry in ClinVar:

ClinVar aggregate classification (germline): Uncertain significance (1 of 4 stars; one submission).

Submission:

Labcorp Genetics (formerly Invitae), Labcorp
Classification: Uncertain significance. Last evaluated: 2024-03-18. Review status: criteria provided, single submitter. Criteria: Invitae Variant Classification Sherloc (09022015). Collection method: clinical testing. Allele origin: germline.
Comment: This sequence change creates a premature translational stop signal (p.Asp292Glufs*3) in the DTHD1 gene. It is expected to result in an absent or disrupted protein product. However, the current clinical and genetic evidence is not sufficient to establish whether loss-of-function variants in DTHD1 cause disease. This variant is present in population databases (rs777444996, gnomAD 0.02%). This variant has not been reported in the literature in individuals affected with DTHD1-related conditions. Algorithms developed to predict the effect of sequence changes on RNA splicing suggest that this variant may disrupt the consensus splice site. In summary, the available evidence is currently insufficient to determine the role of this variant in disease. Therefore, it has been classified as a Variant of Uncertain Significance.

NM_001170700.3(DTHD1):c.1746del (p.Asp582fs)

Gene: DTHD1 (death domain containing 1; plus strand). Cytogenetic location: 4p14.
Variant type: Deletion.
Coding change: c.1746del on transcript NM_001170700.3 (MANE Select); coding-DNA position 1746, one base deleted (T; older notation c.1746delT).
Protein change: p.Asp582fs; shifts the reading frame from aspartic acid 582.
Molecular consequence: frameshift variant. On other transcripts: non-coding transcript variant (2).
Genome position (GRCh38, 1-based): chr4:36,306,293, T deleted. VCF-style (leftmost placement, unchanged base first): chr4-36306292-AT-A. GRCh37 (hg19) VCF-style: chr4-36307914-AT-A.
Other names: c.876del, p.Asp292fs (NM_001136536.5); c.813del, p.Asp271fs (NM_001378435.1); short protein forms D271fs, D292fs, D582fs.
Identifiers: ClinVar variation 3626040 (VCV003626040.2).